The following is an entry in ClinVar:

NM_001379451.1(BCORL1):c.2548G>A (p.Gly850Arg)

Gene: BCORL1 (BCL6 corepressor like 1; plus strand). Cytogenetic location: Xq26.1.
Variant type: single nucleotide variant.
Coding change: c.2548G>A on transcript NM_001379451.1 (MANE Select); coding-DNA position 2548, G replaced by A.
Protein change: p.Gly850Arg; replaces glycine 850 with arginine.
Molecular consequence: missense variant.
Genome position (GRCh38, 1-based): chrX:130,015,320, G>A. VCF-style: chrX-130015320-G-A. GRCh37 (hg19) VCF-style: chrX-129149296-G-A.
Other names: NC_000023.10:g.129149296G>A; c.2548G>A, p.Gly850Arg (NM_001184772.3, NM_001379450.1, NM_021946.5); short protein forms G850R.
Identifiers: ClinVar variation 871642 (VCV000871642.42), dbSNP rs199913486, ClinGen allele CA10514367.
Genomic context (GRCh38, chrX:130,015,320, plus strand): 5'-CCTGTTGGCTGGTCCCCGTACCACCAGGCGTCTCTGCTTTCCATTGGCATTTCCAGTGCC[G>A]GGCAGCTGACCCCCAGTCAGGGGGCGCCCATCAGGCCCACCAGCGTTGTTTCGGAGTTTT-3'
Protein context (NP_001366380.1, residues 840-860): SLLSIGISSA[Gly850Arg]QLTPSQGAPI

ClinVar aggregate classification (germline): Likely benign (1 of 4 stars; one submission).

Allele frequency attached by ClinVar (database versions not stated): TOPMed 0.00002; gnomAD exomes 0.00003 and 0.00009; gnomAD 0.00006; ExAC 0.00009; ESP Exome Variant Server 0.00009.
gnomAD v4.1: 48 of 1,210,188 alleles (0.004%); highest among the groups gnomAD compares: Admixed American, 0.0065%; no homozygotes.

Submissions (2):

CeGaT Center for Human Genetics Tuebingen
Classification: Likely benign. Last evaluated: 2025-08-01. Review status: criteria provided, single submitter. Criteria: CeGaT Center For Human Genetics Tuebingen Variant Classification Criteria Version 2. Collection method: clinical testing. Allele origin: germline. Affected: yes. Observed: 2 variant alleles.
Comment: BCORL1: BS2

Dr. Peter K. Rogan Lab, Western University
No classification provided (evidence only). Condition: Thyroid cancer, nonmedullary, 1. Review status: no classification provided. Collection method: in vitro. Allele origin: not applicable. Functional consequence: retained intron. Not counted in ClinVar's aggregate classification.